The following is an entry in ClinVar:

NM_018180.3(DHX32):c.784C>T (p.Leu262Phe)

Gene: DHX32 (DEAH-box helicase 32 (putative); minus strand). Cytogenetic location: 10q26.2.
Variant type: single nucleotide variant.
Coding change: c.784C>T on transcript NM_018180.3 (MANE Select); coding-DNA position 784, C replaced by T.
Protein change: p.Leu262Phe; replaces leucine 262 with phenylalanine.
Molecular consequence: missense variant.
Genome position (GRCh38, 1-based): chr10:125,859,668, G>A on the plus strand (C>T on the coding strand, the complement: DHX32 is on the minus strand). VCF-style: chr10-125859668-G-A. GRCh37 (hg19) VCF-style: chr10-127548237-G-A.
Other names: short protein forms L262F.
Identifiers: ClinVar variation 1929937 (VCV001929937.5), dbSNP rs775776642, ClinGen allele CA5739387.

ClinVar aggregate classification (germline): Uncertain significance (1 of 4 stars; one submission).

Allele frequency attached by ClinVar (database versions not stated): TOPMed 0.00003; gnomAD 0.00004; ExAC 0.00006; gnomAD exomes 0.00010.

Submission:

Labcorp Genetics (formerly Invitae), Labcorp
Classification: Uncertain significance. Last evaluated: 2025-03-04. Review status: criteria provided, single submitter. Criteria: Invitae Variant Classification Sherloc (09022015). Collection method: clinical testing. Allele origin: germline.
Comment: This sequence change replaces leucine, which is neutral and non-polar, with phenylalanine, which is neutral and non-polar, at codon 262 of the DHX32 protein (p.Leu262Phe). This variant is present in population databases (rs775776642, gnomAD 0.008%). This variant has not been reported in the literature in individuals affected with DHX32-related conditions. ClinVar contains an entry for this variant (Variation ID: 1929937). An algorithm developed to predict the effect of missense changes on protein structure and function (PolyPhen-2) suggests that this variant is likely to be disruptive. In summary, the available evidence is currently insufficient to determine the role of this variant in disease. Therefore, it has been classified as a Variant of Uncertain Significance.